The following is an entry in ClinVar:

NM_177438.3(DICER1):c.3385C>T (p.Pro1129Ser)

Gene: DICER1 (dicer 1, ribonuclease III; minus strand). Cytogenetic location: 14q32.13.
Variant type: single nucleotide variant.
Coding change: c.3385C>T on transcript NM_177438.3 (MANE Select); coding-DNA position 3385, C replaced by T.
Protein change: p.Pro1129Ser; replaces proline 1129 with serine.
Molecular consequence: missense variant.
Genome position (GRCh38, 1-based): chr14:95,104,011, G>A on the plus strand (C>T on the coding strand, the complement: DICER1 is on the minus strand). VCF-style: chr14-95104011-G-A. GRCh37 (hg19) VCF-style: chr14-95570348-G-A.
Other names: c.3385C>T, p.Pro1129Ser (NM_001195573.1, NM_001271282.3, NM_001291628.2 and 1 more transcripts); short protein forms P1129S.
Identifiers: ClinVar variation 1521575 (VCV001521575.9), dbSNP rs1175693367, ClinGen allele CA390875652.

ClinVar aggregate classification (germline): Uncertain significance (1 of 4 stars; one submission).

Conditions:
DICER1-related tumor predisposition. Also called: DICER1 syndrome; DICER1-related pleuropulmonary blastoma cancer predisposition syndrome. Identifiers: Orphanet 284343, MedGen C3839822, MONDO:0100216.

Allele frequency attached by ClinVar (database versions not stated): gnomAD exomes below 0.00001.
gnomAD v4.1: 1 of 1,614,026 alleles (0.000062%); highest among the groups gnomAD compares: Non-Finnish European, 0.000085%; no homozygotes.

Submission:

Labcorp Genetics (formerly Invitae), Labcorp
Classification: Uncertain significance for DICER1-related tumor predisposition. Last evaluated: 2021-02-04. Review status: criteria provided, single submitter. Criteria: Invitae Variant Classification Sherloc (09022015). Collection method: clinical testing. Allele origin: germline.
Comment: This sequence change replaces proline with serine at codon 1129 of the DICER1 protein (p.Pro1129Ser). The proline residue is moderately conserved and there is a moderate physicochemical difference between proline and serine. This variant is not present in population databases (ExAC no frequency). This variant has not been reported in the literature in individuals with DICER1-related conditions. Algorithms developed to predict the effect of missense changes on protein structure and function (SIFT, PolyPhen-2, Align-GVGD) all suggest that this variant is likely to be tolerated, but these predictions have not been confirmed by published functional studies and their clinical significance is uncertain. In summary, the available evidence is currently insufficient to determine the role of this variant in disease. Therefore, it has been classified as a Variant of Uncertain Significance.